The following is an entry in ClinVar:

NM_006231.4(POLE):c.5812-3C>G

Gene: POLE (DNA polymerase epsilon, catalytic subunit; minus strand). Cytogenetic location: 12q24.33.
Variant type: single nucleotide variant.
Coding change: c.5812-3C>G on transcript NM_006231.4 (MANE Select); 3 bases into the intron before coding-DNA position 5812, C replaced by G.
Molecular consequence: intron variant.
Genome position (GRCh38, 1-based): chr12:132,634,381, G>C on the plus strand (C>G on the coding strand, the complement: POLE is on the minus strand). VCF-style: chr12-132634381-G-C. GRCh37 (hg19) VCF-style: chr12-133210967-G-C.
Other names: c.5812-3C>G (NM_006231.2).
Identifiers: ClinVar variation 2001835 (VCV002001835.5), dbSNP rs2138475781, ClinGen allele CA2580086096.
Genomic context (GRCh38, chr12:132,634,381, plus strand): 5'-CCTCATCGTCCTCATTTTCCTGCTCATCCTCTGCTCCCCCTGCTTTCTGGGAGTCTTGCT[G>C]TAACACATGAGACAACGCGGCTGTGTTTGCACCATCGCGGCCTGGTAGAGGGGTAGGATG-3'

ClinVar aggregate classification (germline): Uncertain significance. Review status: criteria provided, multiple submitters, no conflicts (2 of 4 stars). 2 submissions from 2 submitters: Uncertain significance (2). Last evaluated 2025-05-28.

Conditions:
Hereditary cancer-predisposing syndrome. Also called: Hereditary neoplastic syndrome; Hereditary Cancer Syndrome; Tumor predisposition; Neoplastic Syndromes, Hereditary. Identifiers: Orphanet 140162, MedGen C0027672, MeSH D009386, MONDO:0015356.

Allele frequency attached by ClinVar (database versions not stated): gnomAD exomes below 0.00001.
gnomAD v4.1: 1 of 1,611,978 alleles (0.000062%); highest among the groups gnomAD compares: African/African-American, 0.0013%; no homozygotes.

Submissions (2):

Ambry Genetics
Classification: Uncertain significance for Hereditary cancer-predisposing syndrome. Last evaluated: 2025-05-28. Review status: criteria provided, single submitter. Criteria: Ambry Variant Classification Scheme 2023. Collection method: clinical testing. Allele origin: germline.
Comment: The c.5812-3C>G intronic variant results from a C to G substitution 3 nucleotides upstream from coding exon 43 in the POLE gene. This nucleotide position is not well conserved in available vertebrate species. In silico splice site analysis predicts that this alteration will weaken the native splice acceptor site and will result in the creation or strengthening of a novel splice acceptor site. Based on the available evidence, the clinical significance of this variant remains unclear.

Labcorp Genetics (formerly Invitae), Labcorp
Classification: Uncertain significance. Last evaluated: 2022-06-01. Review status: criteria provided, single submitter. Criteria: Invitae Variant Classification Sherloc (09022015). Collection method: clinical testing. Allele origin: germline.
Comment: This sequence change falls in intron 42 of the POLE gene. It does not directly change the encoded amino acid sequence of the POLE protein. It affects a nucleotide within the consensus splice site. This variant is not present in population databases (gnomAD no frequency). This variant has not been reported in the literature in individuals affected with POLE-related conditions. Variants that disrupt the consensus splice site are a relatively common cause of aberrant splicing (PMID: 17576681, 9536098). Algorithms developed to predict the effect of sequence changes on RNA splicing suggest that this variant may disrupt the consensus splice site. In summary, the available evidence is currently insufficient to determine the role of this variant in disease. Therefore, it has been classified as a Variant of Uncertain Significance.

Literature cited by the submitters: PubMed 17576681 (cited by Labcorp Genetics (formerly Invitae), Labcorp); PubMed 9536098 (cited by Labcorp Genetics (formerly Invitae), Labcorp).